The following is an entry in ClinVar:

NM_000787.4(DBH):c.887G>A (p.Arg296His)

Gene: DBH (dopamine beta-hydroxylase; plus strand). Cytogenetic location: 9q34.2.
Variant type: single nucleotide variant.
Coding change: c.887G>A on transcript NM_000787.4 (MANE Select); coding-DNA position 887, G replaced by A.
Protein change: p.Arg296His; replaces arginine 296 with histidine.
Molecular consequence: missense variant.
Genome position (GRCh38, 1-based): chr9:133,643,555, G>A. VCF-style: chr9-133643555-G-A. GRCh37 (hg19) VCF-style: chr9-136508677-G-A.
Other names: short protein forms R296H.
Identifiers: ClinVar variation 2059159 (VCV002059159.1), dbSNP rs370254562, ClinGen allele CA5313221.

ClinVar aggregate classification (germline): Uncertain significance (1 of 4 stars; one submission).

Conditions:
Orthostatic hypotension 1 (ORTHYP1). Also called: Dopamine beta-hydroxylase deficiency; Orthostatic hypotension 1, due to DBH deficiency; NORADRENALINE DEFICIENCY; NOREPINEPHRINE DEFICIENCY. Identifiers: Orphanet 230, MedGen C4746777, MONDO:0009123, OMIM 223360.

Allele frequency attached by ClinVar (database versions not stated): gnomAD 0.00003; TOPMed 0.00003; ExAC 0.00007; gnomAD exomes 0.00007; ESP Exome Variant Server 0.00008.
gnomAD v4.1: 107 of 1,613,306 alleles (0.0066%); highest among the groups gnomAD compares: Middle Eastern, 0.066%; no homozygotes.

Submission:

Labcorp Genetics (formerly Invitae), Labcorp
Classification: Uncertain significance for Orthostatic hypotension 1. Last evaluated: 2022-07-23. Review status: criteria provided, single submitter. Criteria: Invitae Variant Classification Sherloc (09022015). Collection method: clinical testing. Allele origin: germline.
Comment: This sequence change replaces arginine, which is basic and polar, with histidine, which is basic and polar, at codon 296 of the DBH protein (p.Arg296His). This variant is present in population databases (rs370254562, gnomAD 0.04%). This variant has not been reported in the literature in individuals affected with DBH-related conditions. Algorithms developed to predict the effect of missense changes on protein structure and function are either unavailable or do not agree on the potential impact of this missense change (SIFT: "Deleterious"; PolyPhen-2: "Probably Damaging"; Align-GVGD: "Class C0"). In summary, the available evidence is currently insufficient to determine the role of this variant in disease. Therefore, it has been classified as a Variant of Uncertain Significance.